The following is an entry in ClinVar:

NM_000548.5(TSC2):c.5266del (p.Glu1756fs)

Gene: TSC2 (TSC complex subunit 2; plus strand). Cytogenetic location: 16p13.3.
Variant type: Deletion.
Coding change: c.5266del on transcript NM_000548.5 (MANE Select); coding-DNA position 5266, one base deleted (G; older notation c.5266delG).
Protein change: p.Glu1756fs; shifts the reading frame from glutamic acid 1756.
Molecular consequence: frameshift variant.
Genome position (GRCh38, 1-based): chr16:2,088,452, G deleted. VCF-style (leftmost placement, unchanged base first): chr16-2088451-CG-C. GRCh37 (hg19) VCF-style: chr16-2138452-CG-C.
Other names: c.5065del, p.Glu1689fs (NM_001077183.3); c.5197del, p.Glu1733fs (NM_001114382.3); c.4957del, p.Glu1653fs (NM_001318827.2); c.4921del, p.Glu1641fs (NM_001318829.2); c.4534del, p.Glu1512fs (NM_001318831.2); c.5098del, p.Glu1700fs (NM_001318832.2); c.5068del, p.Glu1690fs (NM_001363528.2); c.5134del, p.Glu1712fs (NM_001370404.1); and 2 more; short protein forms E1641fs, E1690fs, E1713fs, E1756fs, E1512fs, E1712fs, E1733fs, E1653fs.
Identifiers: ClinVar variation 238080 (VCV000238080.13), dbSNP rs878854118, ClinGen allele CA10583345.

ClinVar aggregate classification (germline): Pathogenic/Likely pathogenic. Review status: criteria provided, multiple submitters, no conflicts (2 of 4 stars). 2 submissions from 2 submitters: Pathogenic (1); Likely pathogenic (1). Last evaluated 2022-03-04.

Conditions:
Tuberous sclerosis 2 (TSC2). Identifiers: Orphanet 805, MedGen C1860707, MONDO:0013199, OMIM 613254.

Submissions (2):

ARUP Laboratories, Molecular Genetics and Genomics, ARUP Laboratories
Classification: Likely pathogenic. Last evaluated: 2022-03-04. Review status: criteria provided, single submitter. Criteria: ARUP Molecular Germline Variant Investigation Process 2021. Collection method: clinical testing. Allele origin: germline.
Comment: The TSC2 c.5266delG; p.Glu1756ArgfsTer70 variant (rs878854118), to our knowledge, is not reported in the medical literaturE. However, frameshift variants that occur downstream of this variant have been described in affected individuals and are considered pathogenic (Ding 2020, Lindy 2018, Liu 2018). The variant is listed in the ClinVar database (Variation ID: 238080) and is absent from the Genome Aggregation Database, indicating it is not a common polymorphism. This variant results in a premature termination codon in the last exon of the TSC2 gene. While this may not lead to nonsense-mediated decay, it is expected to create a truncated TSC2 protein. This region of TSC2 encodes the GAP domain, critical for tumor suppression (Jin 1996, Momose 2007). Based on available information, this variant is classified as likely pathogenic. References: Ding Y et al. Genotype and Phenotype Analysis of Chinese Children With Tuberous Sclerosis Complex: A Pediatric Cohort Study. Front Genet. 2020 Mar 10;11:204. PMID: 32211034. Jin F et al. Suppression of tumorigenicity by the wild-type tuberous sclerosis 2 (Tsc2) gene and its C-terminal region. Proc Natl Acad Sci U S A. 1996 Aug 20;93(17):9154-9. PMID: 8799170. Lindy AS et al. Diagnostic outcomes for genetic testing of 70 genes in 8565 patients with epilepsy and neurodevelopmental disorders. Epilepsia. 2018 May;59(5):1062-1071. PMID: 29655203. Liu J et al. Novel and de novo mutations in pediatric refractory epilepsy. Mol Brain. 2018 Sep 5;11(1):48. PMID: 30185235 Jin F et al. Suppression of tumorigenicity by the wild-type tuberous sclerosis 2 (Tsc2) gene and its C- Momose S et al. N-terminal hamartin-binding and C-terminal GAP domain of tuberin can separate in vivo. Biochem Biophys Res Commun. 2007 May 11;356(3):693-8. PMID: 17379185.

Labcorp Genetics (formerly Invitae), Labcorp
Classification: Pathogenic for Tuberous sclerosis 2. Last evaluated: 2019-01-10. Review status: criteria provided, single submitter. Criteria: Invitae Variant Classification Sherloc (09022015). Collection method: clinical testing. Allele origin: germline.
Comment: This variant is not present in population databases (ExAC no frequency). For these reasons, this variant has been classified as Pathogenic. Functional studies using animal models have shown that the C-terminus of the TSC2 protein is involved in tumor suppression (PMID: 8799170, 17379185). Multiple frameshift variants, including c.5340_5371del (p.1784Alafs*?) and c.5405_5408dup (p.Phe1803Leufs*42) located downstream of this variant, have been reported as de novo disease-causing variants in individuals affected with tuberous sclerosis complex (PMID: 10205261, 9328481, 24789117). This suggests that frameshift variants affecting the very C-terminus of TSC2 impact protein function and cause disease. This variant has not been reported in the literature in individuals with TSC2-related conditions. ClinVar contains an entry for this variant (Variation ID: 238080). This sequence change deletes 1 nucleotide from exon 42 of the TSC2 mRNA (c.5266delG), causing a frameshift at codon 1756. This creates a premature translational stop signal in the last exon of the TSC2 mRNA (p.Glu1756Argfs*70). While this is not anticipated to result in nonsense mediated decay, it is expected to disrupt the last 52 amino acids of the TSC2 protein.

Literature cited by the submitters: PubMed 8799170 (cited by Labcorp Genetics (formerly Invitae), Labcorp); PubMed 17379185 (cited by Labcorp Genetics (formerly Invitae), Labcorp); PubMed 10205261 (cited by Labcorp Genetics (formerly Invitae), Labcorp); PubMed 9328481 (cited by Labcorp Genetics (formerly Invitae), Labcorp); PubMed 24789117 (cited by Labcorp Genetics (formerly Invitae), Labcorp).